The following is an entry in ClinVar:

NM_002519.3(NPAT):c.1957_1958delinsTT (p.Ala653Leu)

Gene: NPAT (nuclear protein, coactivator of histone transcription; minus strand). Cytogenetic location: 11q22.3.
Variant type: Indel.
Coding change: c.1957_1958delinsTT on transcript NM_002519.3 (MANE Select); coding-DNA positions 1957 to 1958, GC replaced by TT.
Protein change: p.Ala653Leu; replaces alanine 653 with leucine.
Molecular consequence: missense variant.
Genome position (GRCh38, 1-based): chr11:108,173,026-108,173,027, GC replaced by AA on the plus strand (GC replaced by TT on the coding strand, the reverse complement: NPAT is on the minus strand). VCF-style: chr11-108173026-GC-AA. GRCh37 (hg19) VCF-style: chr11-108043753-GC-AA.
Other names: c.1957_1958delinsTT, p.Ala653Leu (NM_001321307.1); short protein forms A653L.
Identifiers: ClinVar variation 3616008 (VCV003616008.2).
Genomic context (GRCh38, chr11:108,173,026, plus strand): 5'-AAAATAGTATTCTCTTCTTTTACAGAAGATGAAGGCTCCTGTGAATTCTCAGACTTGGAT[GC>AA]CTGAGCTTCATTTTCTGTATGATTTAACTCAACAGATGCTGAATCATTAGATGGTTGTTT-3'
Protein context (NP_002510.2, residues 643-663): ELNHTENEAQ[Ala653Leu]SKSENSQEPS

ClinVar aggregate classification (germline): Uncertain significance (1 of 4 stars; one submission).

Submission:

Labcorp Genetics (formerly Invitae), Labcorp
Classification: Uncertain significance. Last evaluated: 2024-03-10. Review status: criteria provided, single submitter. Criteria: Invitae Variant Classification Sherloc (09022015). Collection method: clinical testing. Allele origin: germline.
Comment: This sequence change replaces alanine, which is neutral and non-polar, with leucine, which is neutral and non-polar, at codon 653 of the NPAT protein (p.Ala653Leu). This variant is present in population databases (no rsID available, gnomAD 0.0004%). This variant has not been reported in the literature in individuals affected with NPAT-related conditions. An algorithm developed to predict the effect of missense changes on protein structure and function (PolyPhen-2) suggests that this variant is likely to be tolerated. In summary, the available evidence is currently insufficient to determine the role of this variant in disease. Therefore, it has been classified as a Variant of Uncertain Significance.